The following is an entry in ClinVar:

NM_001195553.2(DCX):c.681dup (p.Leu228fs)

Gene: DCX (doublecortin; minus strand). Cytogenetic location: Xq23.
Variant type: Duplication.
Coding change: c.681dup on transcript NM_001195553.2 (MANE Select); coding-DNA position 681, one base duplicated (A; older notation c.681dupA).
Protein change: p.Leu228fs; shifts the reading frame from leucine 228.
Molecular consequence: frameshift variant.
Genome position (GRCh38, 1-based): chrX:111,401,014, T duplicated on the plus strand (A on the coding strand, the reverse complement: DCX is on the minus strand); the first of 6 consecutive T bases (chrX:111,401,014-111,401,019); duplicating any one gives the same sequence. VCF-style (leftmost placement, unchanged base first): chrX-111401013-G-GT. GRCh37 (hg19) VCF-style: chrX-110644241-G-GT.
Other names: c.924dup, p.Leu309fs (NM_000555.3); c.681dup, p.Leu228fs (NM_001369370.1, NM_001369371.1, NM_001369372.1 and 5 more transcripts); c.681dup (NM_178153.1); c.681_682insA (NM_178151.2); short protein forms L309fs, L228fs.
Identifiers: ClinVar variation 210833 (VCV000210833.10), dbSNP rs587783579, ClinGen allele CA209792.

ClinVar aggregate classification (germline): Pathogenic. Review status: criteria provided, multiple submitters, no conflicts (2 of 4 stars). 3 submissions from 3 submitters: Pathogenic (3). Last evaluated 2024-10-01.

Conditions:
Abnormal cortical gyration. Identifiers: MedGen C1856019, HP:0002536.

Submissions (3):

GeneDx
Classification: Pathogenic. Last evaluated: 2024-10-01. Review status: criteria provided, single submitter. Criteria: GeneDx Variant Classification Process June 2021. Collection method: clinical testing. Allele origin: germline. Affected: yes.
Comment: Frameshift variant predicted to result in protein truncation or nonsense mediated decay in a gene for which loss of function is a known mechanism of disease; Not observed at significant frequency in large population cohorts (gnomAD); This variant is associated with the following publications: (PMID: 23365099)

Labcorp Genetics (formerly Invitae), Labcorp
Classification: Pathogenic. Last evaluated: 2024-01-15. Review status: criteria provided, single submitter. Criteria: Invitae Variant Classification Sherloc (09022015). Collection method: clinical testing. Allele origin: germline.
Comment: This sequence change creates a premature translational stop signal (p.Leu228Thrfs*14) in the DCX gene. It is expected to result in an absent or disrupted protein product. Loss-of-function variants in DCX are known to be pathogenic (PMID: 11175293, 23365099). This variant is not present in population databases (gnomAD no frequency). This premature translational stop signal has been observed in individual(s) with subcortical band heterotopia (PMID: 23365099). This variant is also known as c.681_682insA. ClinVar contains an entry for this variant (Variation ID: 210833). For these reasons, this variant has been classified as Pathogenic.

Genetic Services Laboratory, University of Chicago
Classification: Pathogenic for Abnormal cortical gyration. Last evaluated: 2013-02-08. Review status: criteria provided, single submitter. Criteria: ACMG Guidelines, 2007. Collection method: clinical testing. Allele origin: germline. Affected: yes.

Literature cited by the submitters: PubMed 11175293 (cited by Labcorp Genetics (formerly Invitae), Labcorp); PubMed 23365099 (cited by Labcorp Genetics (formerly Invitae), Labcorp).